The following is an entry in ClinVar:

ClinVar aggregate classification (germline): Likely pathogenic (1 of 4 stars; one submission).

Submission:

Labcorp Genetics (formerly Invitae), Labcorp
Classification: Likely pathogenic. Last evaluated: 2024-06-17. Review status: criteria provided, single submitter. Criteria: Invitae Variant Classification Sherloc (09022015). Collection method: clinical testing. Allele origin: germline.
Comment: This sequence change affects a donor splice site in intron 34 of the POLE gene. It is expected to disrupt RNA splicing. Variants that disrupt the donor or acceptor splice site typically lead to a loss of protein function (PMID: 16199547), and loss-of-function variants in POLE are known to be pathogenic (PMID: 23230001, 25948378, 30503519). This variant is not present in population databases (gnomAD no frequency). This variant has not been reported in the literature in individuals affected with POLE-related conditions. Algorithms developed to predict the effect of sequence changes on RNA splicing suggest that this variant may disrupt the consensus splice site. In summary, the currently available evidence indicates that the variant is pathogenic, but additional data are needed to prove that conclusively. Therefore, this variant has been classified as Likely Pathogenic.

Literature cited by the submitters: PubMed 16199547; PubMed 23230001; PubMed 25948378; PubMed 30503519.

NM_006231.4(POLE):c.4444+1G>T

Gene: POLE (DNA polymerase epsilon, catalytic subunit; minus strand). Cytogenetic location: 12q24.33.
Variant type: single nucleotide variant.
Coding change: c.4444+1G>T on transcript NM_006231.4 (MANE Select); the canonical splice donor site of the intron after coding-DNA position 4444, G replaced by T.
Molecular consequence: splice donor variant.
Genome position (GRCh38, 1-based): chr12:132,643,406, C>A on the plus strand (G>T on the coding strand, the complement: POLE is on the minus strand). VCF-style: chr12-132643406-C-A. GRCh37 (hg19) VCF-style: chr12-133219992-C-A.
Identifiers: ClinVar variation 3019302 (VCV003019302.3), dbSNP rs1593734374, ClinGen allele CA387380876.